The following is an entry in ClinVar:

ClinVar aggregate classification (germline): Uncertain significance (1 of 4 stars; one submission).

Allele frequency attached by ClinVar (database versions not stated): gnomAD 0.00001; ExAC 0.00002; gnomAD exomes 0.00002; TOPMed 0.00003.
gnomAD v4.1: 13 of 1,613,930 alleles (0.00081%); highest among the groups gnomAD compares: East Asian, 0.027%; no homozygotes.

Submission:

Labcorp Genetics (formerly Invitae), Labcorp
Classification: Uncertain significance. Last evaluated: 2023-07-17. Review status: criteria provided, single submitter. Criteria: Invitae Variant Classification Sherloc (09022015). Collection method: clinical testing. Allele origin: germline.
Comment: In summary, the available evidence is currently insufficient to determine the role of this variant in disease. Therefore, it has been classified as a Variant of Uncertain Significance. Advanced modeling of protein sequence and biophysical properties (such as structural, functional, and spatial information, amino acid conservation, physicochemical variation, residue mobility, and thermodynamic stability) performed at Invitae indicates that this missense variant is expected to disrupt ALDH6A1 protein function. ClinVar contains an entry for this variant (Variation ID: 1433413). This variant has not been reported in the literature in individuals affected with ALDH6A1-related conditions. The frequency data for this variant in the population databases is considered unreliable, as metrics indicate poor data quality at this position in the gnomAD database. This sequence change replaces glycine, which is neutral and non-polar, with valine, which is neutral and non-polar, at codon 493 of the ALDH6A1 protein (p.Gly493Val).

NM_005589.4(ALDH6A1):c.1478G>T (p.Gly493Val)

Genes: ALDH6A1 (aldehyde dehydrogenase 6 family member A1; minus strand), BBOF1 (basal body orientation factor 1; plus strand). Cytogenetic location: 14q24.3.
Variant type: single nucleotide variant.
Coding change: c.1478G>T on transcript NM_005589.4 (MANE Select); coding-DNA position 1478, G replaced by T.
Protein change: p.Gly493Val; replaces glycine 493 with valine.
Molecular consequence: missense variant. On other transcripts: 3 prime UTR variant (1).
Genome position (GRCh38, 1-based): chr14:74,064,847, C>A on the plus strand (G>T on the coding strand, the complement: ALDH6A1 is on the minus strand). VCF-style: chr14-74064847-C-A. GRCh37 (hg19) VCF-style: chr14-74531550-C-A.
Other names: c.1439G>T, p.Gly480Val (NM_001278593.2); c.1016G>T, p.Gly339Val (NM_001278594.2); c.*148C>A (NM_025057.3); short protein forms G493V, G339V, G480V.
Identifiers: ClinVar variation 1433413 (VCV001433413.8), dbSNP rs768056520, ClinGen allele CA7265609.